The following is an entry in ClinVar:

ClinVar aggregate classification (germline): Uncertain significance (1 of 4 stars; one submission).

Conditions:
Methylmalonic aciduria, cblB type (MACB). Also called: Vitamin B12-responsive methylmalonic acidemia type cblB; METHYLMALONIC ACIDURIA, VITAMIN B12-RESPONSIVE, DUE TO DEFECT IN SYNTHESIS OF ADENOSYLCOBALAMIN, cblB TYPE; Methylmalonic acidemia cblB type. Identifiers: Orphanet 28, Orphanet 79311, MedGen C1855102, MONDO:0009614, OMIM 251110.

Allele frequency attached by ClinVar (database versions not stated): gnomAD exomes below 0.00001.
gnomAD v4.1: 1 of 1,614,234 alleles (0.000062%); highest among the groups gnomAD compares: Middle Eastern, 0.016%; no homozygotes.

Submission:

Labcorp Genetics (formerly Invitae), Labcorp
Classification: Uncertain significance for Methylmalonic aciduria, cblB type. Last evaluated: 2021-08-02. Review status: criteria provided, single submitter. Criteria: Invitae Variant Classification Sherloc (09022015). Collection method: clinical testing. Allele origin: germline.
Comment: This sequence change replaces phenylalanine with leucine at codon 83 of the MMAB protein (p.Phe83Leu). The phenylalanine residue is highly conserved and there is a small physicochemical difference between phenylalanine and leucine. This variant is not present in population databases (ExAC no frequency). This variant has not been reported in the literature in individuals affected with MMAB-related conditions. Algorithms developed to predict the effect of missense changes on protein structure and function are either unavailable or do not agree on the potential impact of this missense change (SIFT: "Deleterious"; PolyPhen-2: "Probably Damaging"; Align-GVGD: "Class C0"). In summary, the available evidence is currently insufficient to determine the role of this variant in disease. Therefore, it has been classified as a Variant of Uncertain Significance.

NM_052845.4(MMAB):c.249T>G (p.Phe83Leu)

Gene: MMAB (metabolism of cobalamin associated B; minus strand). Cytogenetic location: 12q24.11.
Variant type: single nucleotide variant.
Coding change: c.249T>G on transcript NM_052845.4 (MANE Select); coding-DNA position 249, T replaced by G.
Protein change: p.Phe83Leu; replaces phenylalanine 83 with leucine.
Molecular consequence: missense variant. On other transcripts: non-coding transcript variant (1).
Genome position (GRCh38, 1-based): chr12:109,568,811, A>C on the plus strand (T>G on the coding strand, the complement: MMAB is on the minus strand). VCF-style: chr12-109568811-A-C. GRCh37 (hg19) VCF-style: chr12-110006616-A-C.
Other names: short protein forms F83L.
Identifiers: ClinVar variation 1469784 (VCV001469784.3), dbSNP rs2136208348, ClinGen allele CA386639571.
Genomic context (GRCh38, chr12:109,568,811, plus strand): 5'-CCAATCCTGTCCCCCTTACCCAATAGCTGAACTTAATTCATCTGTAGTTCCCACGGCTTC[A>C]AACACTTGGTCATCTTTGGGTCTCCTTTCTCCTGTGAAGGTACTAGAAAACCCTGTGGAA-3'
Protein context (NP_443077.1, residues 73-93): GERRPKDDQV[Phe83Leu]EAVGTTDELS